The following is an entry in ClinVar:

NM_000051.4(ATM):c.9106A>C (p.Ile3036Leu)

Genes: ATM (ATM serine/threonine kinase; plus strand), C11orf65 (chromosome 11 open reading frame 65; minus strand). Cytogenetic location: 11q22.3.
Variant type: single nucleotide variant.
Coding change: c.9106A>C on transcript NM_000051.4 (MANE Select); coding-DNA position 9106, A replaced by C.
Protein change: p.Ile3036Leu; replaces isoleucine 3036 with leucine.
Molecular consequence: missense variant. On other transcripts: intron variant (2).
Genome position (GRCh38, 1-based): chr11:108,365,443, A>C. VCF-style: chr11-108365443-A-C. GRCh37 (hg19) VCF-style: chr11-108236170-A-C.
Other names: c.9106A>C, p.Ile3036Leu (NM_001351834.2); c.640+20477T>G (NM_001330368.2); c.694+20477T>G (NM_001351110.2); short protein forms I3036L.
Identifiers: ClinVar variation 2774735 (VCV002774735.4), dbSNP rs1565609567, ClinGen allele CA382531964.

ClinVar aggregate classification (germline): Uncertain significance. Review status: criteria provided, multiple submitters, no conflicts (2 of 4 stars). 2 submissions from 2 submitters: Uncertain significance (2). Last evaluated 2024-03-06.

Conditions:
Hereditary cancer-predisposing syndrome. Also called: Tumor predisposition; Neoplastic Syndromes, Hereditary; Hereditary Cancer Syndrome; Hereditary neoplastic syndrome. Identifiers: Orphanet 140162, MedGen C0027672, MeSH D009386, MONDO:0015356.
Ataxia-telangiectasia syndrome (AT). Also called: LOUIS-BAR SYNDROME; Cerebello-oculocutaneous telangiectasia; Immunodeficiency with ataxia telangiectasia; Ataxia telangiectasia (A-T); Ataxia-telangiectasia, complementation group D; AT, COMPLEMENTATION GROUP C. Identifiers: Orphanet 100, MedGen C0004135, MONDO:0008840, OMIM 208900.

Submissions (2):

Color Diagnostics, LLC DBA Color Health
Classification: Uncertain significance for Hereditary cancer-predisposing syndrome. Last evaluated: 2024-03-06. Review status: criteria provided, single submitter. Criteria: ACMG Guidelines, 2015. Collection method: clinical testing. Allele origin: germline.
Comment: This missense variant replaces isoleucine with leucine at codon 3036 of the ATM protein. Computational prediction suggests that this variant may have deleterious impact on protein structure and function (internally defined REVEL score threshold >= 0.7, PMID: 27666373). To our knowledge, functional studies have not been reported for this variant. This variant has not been reported in individuals affected with hereditary cancer in the literature. This variant has not been identified in the general population by the Genome Aggregation Database (gnomAD). The available evidence is insufficient to determine the role of this variant in disease conclusively. Therefore, this variant is classified as a Variant of Uncertain Significance.

Labcorp Genetics (formerly Invitae), Labcorp
Classification: Uncertain significance for Ataxia-telangiectasia syndrome. Last evaluated: 2023-03-17. Review status: criteria provided, single submitter. Criteria: Invitae Variant Classification Sherloc (09022015). Collection method: clinical testing. Allele origin: germline.
Comment: This sequence change replaces isoleucine, which is neutral and non-polar, with leucine, which is neutral and non-polar, at codon 3036 of the ATM protein (p.Ile3036Leu). This variant is not present in population databases (gnomAD no frequency). In summary, the available evidence is currently insufficient to determine the role of this variant in disease. Therefore, it has been classified as a Variant of Uncertain Significance. An algorithm developed to predict the effect of missense changes on protein structure and function (PolyPhen-2) suggests that this variant is likely to be disruptive. This variant has not been reported in the literature in individuals affected with ATM-related conditions.